The following is an entry in ClinVar:

NM_020975.6(RET):c.658A>C (p.Ser220Arg)

Gene: RET (ret proto-oncogene; plus strand). Cytogenetic location: 10q11.21.
Variant type: single nucleotide variant.
Coding change: c.658A>C on transcript NM_020975.6 (MANE Select); coding-DNA position 658, A replaced by C.
Protein change: p.Ser220Arg; replaces serine 220 with arginine.
Molecular consequence: missense variant. On other transcripts: 5 prime UTR variant (1), intron variant (22).
Genome position (GRCh38, 1-based): chr10:43,104,984, A>C. VCF-style: chr10-43104984-A-C. GRCh37 (hg19) VCF-style: chr10-43600432-A-C.
Other names: c.-105A>C (NM_001355216.2); c.658A>C, p.Ser220Arg (NM_001406743.1, NM_001406744.1, NM_001406759.1 and 6 more transcripts); c.529A>C, p.Ser177Arg (NM_001406761.1, NM_001406762.1, NM_001406764.1 and 2 more transcripts); c.370A>C, p.Ser124Arg (NM_001406766.1, NM_001406767.1, NM_001406770.1); c.625+2355A>C (NM_001406773.1, NM_001406771.1, NM_001406782.1 and 5 more transcripts); c.496+2355A>C (NM_001406786.1, NM_001406783.1); c.338-4047A>C (NM_001406778.1, NM_001406775.1, NM_001406776.1 and 1 more transcripts); c.337+4262A>C (NM_001406790.1, NM_001406788.1, NM_001406789.1 and 1 more transcripts); and 2 more; short protein forms S124R, S177R, S220R.
Identifiers: ClinVar variation 3900546 (VCV003900546.1).

ClinVar aggregate classification (germline): Uncertain significance (1 of 4 stars; one submission).

Submission:

GeneDx
Classification: Uncertain significance. Last evaluated: 2024-11-25. Review status: criteria provided, single submitter. Criteria: GeneDx Variant Classification Process June 2021. Collection method: clinical testing. Allele origin: germline. Affected: yes.
Comment: Not observed at significant frequency in large population cohorts (gnomAD); In silico analysis indicates that this missense variant does not alter protein structure/function; Has not been previously published as pathogenic or benign to our knowledge; This variant is associated with the following publications: (PMID: 14633923)